The following is an entry in ClinVar:

ClinVar aggregate classification (germline): Uncertain significance. Review status: criteria provided, multiple submitters, no conflicts (2 of 4 stars). 2 submissions from 2 submitters: Uncertain significance (2). Last evaluated 2023-04-28.

Conditions:
Ataxia-telangiectasia syndrome (AT). Also called: Ataxia-telangiectasia; AT, COMPLEMENTATION GROUP C; ATAXIA-TELANGIECTASIA, COMPLEMENTATION GROUP A; ATAXIA-TELANGIECTASIA, FRESNO VARIANT; Ataxia-telangiectasia, complementation group E; LOUIS-BAR SYNDROME. Identifiers: Orphanet 100, MedGen C0004135, MONDO:0008840, OMIM 208900.
Hereditary cancer-predisposing syndrome. Also called: Tumor predisposition; Hereditary Cancer Syndrome; Neoplastic Syndromes, Hereditary; Hereditary neoplastic syndrome. Identifiers: Orphanet 140162, MedGen C0027672, MeSH D009386, MONDO:0015356.

Submissions (2):

Ambry Genetics
Classification: Uncertain significance for Hereditary cancer-predisposing syndrome. Last evaluated: 2023-04-28. Review status: criteria provided, single submitter. Criteria: Ambry Variant Classification Scheme 2023. Collection method: clinical testing. Allele origin: germline.
Comment: The p.S712P variant (also known as c.2134T>C), located in coding exon 13 of the ATM gene, results from a T to C substitution at nucleotide position 2134. The serine at codon 712 is replaced by proline, an amino acid with similar properties. This amino acid position is conserved. In addition, this alteration is predicted to be tolerated by in silico analysis. Since supporting evidence is limited at this time, the clinical significance of this alteration remains unclear.

Labcorp Genetics (formerly Invitae), Labcorp
Classification: Uncertain significance for Ataxia-telangiectasia syndrome. Last evaluated: 2023-02-14. Review status: criteria provided, single submitter. Criteria: Invitae Variant Classification Sherloc (09022015). Collection method: clinical testing. Allele origin: germline.
Comment: This sequence change replaces serine, which is neutral and polar, with proline, which is neutral and non-polar, at codon 712 of the ATM protein (p.Ser712Pro). This variant is not present in population databases (gnomAD no frequency). This variant has not been reported in the literature in individuals affected with ATM-related conditions. Algorithms developed to predict the effect of missense changes on protein structure and function output the following: SIFT: "Tolerated"; PolyPhen-2: "Benign"; Align-GVGD: "Class C0". The proline amino acid residue is found in multiple mammalian species, which suggests that this missense change does not adversely affect protein function. In summary, the available evidence is currently insufficient to determine the role of this variant in disease. Therefore, it has been classified as a Variant of Uncertain Significance.

NM_000051.4(ATM):c.2134T>C (p.Ser712Pro)

Gene: ATM (ATM serine/threonine kinase; plus strand). Cytogenetic location: 11q22.3.
Variant type: single nucleotide variant.
Coding change: c.2134T>C on transcript NM_000051.4 (MANE Select); coding-DNA position 2134, T replaced by C.
Protein change: p.Ser712Pro; replaces serine 712 with proline.
Molecular consequence: missense variant.
Genome position (GRCh38, 1-based): chr11:108,256,224, T>C. VCF-style: chr11-108256224-T-C. GRCh37 (hg19) VCF-style: chr11-108126951-T-C.
Other names: c.2134T>C, p.Ser712Pro (NM_001351834.2); short protein forms S712P.
Identifiers: ClinVar variation 2113247 (VCV002113247.6), dbSNP rs1565394509, ClinGen allele CA382538670.